The following is an entry in ClinVar:

NM_000545.8(HNF1A):c.68_69del (p.Lys23fs)

Gene: HNF1A (HNF1 homeobox A; plus strand). Cytogenetic location: 12q24.31.
Variant type: Deletion.
Coding change: c.68_69del on transcript NM_000545.8 (MANE Select); coding-DNA positions 68 to 69, 2 bases deleted (AA; older notation c.68_69delAA).
Protein change: p.Lys23fs; shifts the reading frame from lysine 23.
Molecular consequence: frameshift variant.
Genome position (GRCh38, 1-based): chr12:120,978,836-120,978,837, AA deleted; deleting any 2 consecutive bases within chr12:120,978,835-120,978,837 gives the same sequence; the c. name uses the placement nearest the transcript's 3' end. VCF-style (leftmost placement, unchanged base first): chr12-120978834-CAA-C. GRCh37 (hg19) VCF-style: chr12-121416637-CAA-C.
Other names: NM_001306179.2:c.68_69del; c.68_69del, p.Lys23fs (NM_001306179.2, NM_001406915.1); short protein forms K23fs.
Identifiers: ClinVar variation 3338658 (VCV003338658.2).
Genomic context (GRCh38, chr12:120,978,834, plus strand): 5'-TTCTAAACTGAGCCAGCTGCAGACGGAGCTCCTGGCGGCCCTGCTCGAGTCAGGGCTGAG[CAA>C]AGAGGCACTGATCCAGGCACTGGGTGAGCCGGGGCCCTACCTCCTGGCTGGAGAAGGCCC-3'

ClinVar aggregate classification (germline): Pathogenic. Review status: reviewed by expert panel (3 of 4 stars). 2 submissions from 2 submitters: Pathogenic (1). 1 of the submissions does not count toward it. Last evaluated 2024-08-30.

Conditions:
Monogenic diabetes. Identifiers: Orphanet 183625, MedGen C3888631, MONDO:0015967.

Submissions (2):

ClinGen Monogenic Diabetes Variant Curation Expert Panel
Classification: Pathogenic for Monogenic diabetes. Last evaluated: 2024-08-30. Review status: reviewed by expert panel. Criteria: ClinGen Diabetes ACMG Specifications HNF1A V2.1.0. Collection method: curation. Allele origin: germline. Inheritance: Autosomal dominant inheritance.
Comment: The c.68_69del variant in the HNF1A/ HNF1 homeobox A gene, HNF1A, causes a frameshift in the protein at codon 23 in NM_000545.8, adding 9 novel amino acids before encountering a stop codon (p.(Lys23ArgfsTer9)). This variant, located in biologically-relevant exon 1 of 10, is predicted to lead to nonsense mediated decay in a gene in which loss-of-function is an established disease mechanism (PVS1; PMID: 23348805). This variant is absent from gnomAD v2.1.1 (PM2_Supporting). This variant was identified in 3 unrelated individuals with non-autoimmune and non-absolute/near-absolute insulin-deficient diabetes; however, PS4_Moderate cannot be applied because this number is below the ClinGen MDEP threshold (PMID: 21224407, internal lab contributors). This variant segregated with diabetes with 1 informative meioses in a single family; however, this does not meet the thresholds for PP1 set by the ClinGen MDEP (internal lab contributors). In summary, c.68_69 meets the criteria to be classified as pathogenic for monogenic diabetes. ACMG/AMP criteria applied, as specified by the ClinGen MDEP (specification version 2.1.0, approved 8/11/2023): PVS1, PP4_Moderate, PM2_Supporting.

Labcorp Genetics (formerly Invitae), Labcorp
Classification: Pathogenic. Last evaluated: 2025-02-06. Review status: criteria provided, single submitter. Criteria: Invitae Variant Classification Sherloc (09022015). Collection method: clinical testing. Allele origin: germline. Not counted in ClinVar's aggregate classification.
Comment: This sequence change creates a premature translational stop signal (p.Lys23Argfs*9) in the HNF1A gene. It is expected to result in an absent or disrupted protein product. Loss-of-function variants in HNF1A are known to be pathogenic (PMID: 15928245, 18003757). This variant is not present in population databases (gnomAD no frequency). This premature translational stop signal has been observed in individual(s) with HNF1A-related conditions (PMID: 21224407). ClinVar contains an entry for this variant (Variation ID: 3338658). For these reasons, this variant has been classified as Pathogenic.

Literature cited by the submitters: PubMed 15928245 (cited by Labcorp Genetics (formerly Invitae), Labcorp); PubMed 18003757 (cited by Labcorp Genetics (formerly Invitae), Labcorp); PubMed 21224407 (cited by Labcorp Genetics (formerly Invitae), Labcorp).